The following is an entry in ClinVar:

ClinVar aggregate classification (germline): Pathogenic (1 of 4 stars; one submission).

Conditions:
DICER1-related tumor predisposition. Also called: DICER1 syndrome; DICER1-related pleuropulmonary blastoma cancer predisposition syndrome. Identifiers: Orphanet 284343, MedGen C3839822, MONDO:0100216.

Submission:

Labcorp Genetics (formerly Invitae), Labcorp
Classification: Pathogenic for DICER1-related tumor predisposition. Last evaluated: 2020-08-17. Review status: criteria provided, single submitter. Criteria: Invitae Variant Classification Sherloc (09022015). Collection method: clinical testing. Allele origin: germline.
Comment: This variant has not been reported in the literature in individuals with DICER1-related conditions. This variant is not present in population databases (ExAC no frequency). This sequence change creates a premature translational stop signal (p.Tyr1682*) in the DICER1 gene. It is expected to result in an absent or disrupted protein product. Loss-of-function variants in DICER1 are known to be pathogenic (PMID: 19556464, 21266384). For these reasons, this variant has been classified as Pathogenic.

Literature cited by the submitters: PubMed 19556464; PubMed 21266384.

NM_177438.3(DICER1):c.5046C>G (p.Tyr1682Ter)

Gene: DICER1 (dicer 1, ribonuclease III; minus strand). Cytogenetic location: 14q32.13.
Variant type: single nucleotide variant.
Coding change: c.5046C>G on transcript NM_177438.3 (MANE Select); coding-DNA position 5046, C replaced by G.
Protein change: p.Tyr1682Ter; replaces tyrosine 1682 with a stop codon.
Molecular consequence: nonsense.
Genome position (GRCh38, 1-based): chr14:95,095,874, G>C on the plus strand (C>G on the coding strand, the complement: DICER1 is on the minus strand). VCF-style: chr14-95095874-G-C. GRCh37 (hg19) VCF-style: chr14-95562211-G-C.
Other names: c.5046C>G, p.Tyr1682Ter (NM_001195573.1, NM_001271282.3, NM_001291628.2 and 1 more transcripts); short protein forms Y1682*.
Identifiers: ClinVar variation 1072920 (VCV001072920.8), dbSNP rs2139837979, ClinGen allele CA390866019.